The following is an entry in ClinVar:

NM_000038.6(APC):c.3997A>G (p.Lys1333Glu)

Gene: APC (APC regulator of Wnt signaling pathway; plus strand). Cytogenetic location: 5q22.2.
Variant type: single nucleotide variant.
Coding change: c.3997A>G on transcript NM_000038.6 (MANE Select); coding-DNA position 3997, A replaced by G.
Protein change: p.Lys1333Glu; replaces lysine 1333 with glutamic acid.
Molecular consequence: missense variant.
Genome position (GRCh38, 1-based): chr5:112,839,591, A>G. VCF-style: chr5-112839591-A-G. GRCh37 (hg19) VCF-style: chr5-112175288-A-G.
Other names: c.3997A>G, p.Lys1333Glu (NM_001127510.3, NM_001354895.2); c.3943A>G, p.Lys1315Glu (NM_001127511.3); c.4051A>G, p.Lys1351Glu (NM_001354896.2); c.4027A>G, p.Lys1343Glu (NM_001354897.2); c.3922A>G, p.Lys1308Glu (NM_001354898.2); c.3913A>G, p.Lys1305Glu (NM_001354899.2); c.3874A>G, p.Lys1292Glu (NM_001354900.2); c.3820A>G, p.Lys1274Glu (NM_001354901.2); and 5 more; short protein forms K1050E, K1305E, K1333E, K1173E, K1232E, K1308E, K1315E, K1343E.
Identifiers: ClinVar variation 824468 (VCV000824468.4), dbSNP rs1580642594, ClinGen allele CA16030096.
Genomic context (GRCh38, chr5:112,839,591, plus strand): 5'-ACTAGGTCAGCTGAAGATCCTGTGAGCGAAGTTCCAGCAGTGTCACAGCACCCTAGAACC[A>G]AATCCAGCAGACTGCAGGGTTCTAGTTTATCTTCAGAATCAGCCAGGCACAAAGCTGTTG-3'
Protein context (NP_000029.2, residues 1323-1343): VPAVSQHPRT[Lys1333Glu]SSRLQGSSLS

ClinVar aggregate classification (germline): Uncertain significance (1 of 4 stars; one submission).

Conditions:
Hereditary cancer-predisposing syndrome. Also called: Neoplastic Syndromes, Hereditary; Tumor predisposition; Hereditary neoplastic syndrome; Hereditary Cancer Syndrome. Identifiers: Orphanet 140162, MedGen C0027672, MeSH D009386, MONDO:0015356.

Submission:

Ambry Genetics
Classification: Uncertain significance for Hereditary cancer-predisposing syndrome. Last evaluated: 2018-04-21. Review status: criteria provided, single submitter. Criteria: Ambry Variant Classification Scheme 2023. Collection method: clinical testing. Allele origin: germline.
Comment: The p.K1333E variant (also known as c.3997A>G), located in coding exon 15 of the APC gene, results from an A to G substitution at nucleotide position 3997. The lysine at codon 1333 is replaced by glutamic acid, an amino acid with similar properties. This amino acid position is not well conserved in available vertebrate species. In addition, in silico predictors for this gene do not accurately predict pathogenicity. Since supporting evidence is limited at this time, the clinical significance of this alteration remains unclear.